The following is an entry in ClinVar:

NM_032119.4(ADGRV1):c.6410T>G (p.Ile2137Ser)

Gene: ADGRV1 (adhesion G protein-coupled receptor V1; plus strand). Cytogenetic location: 5q14.3.
Variant type: single nucleotide variant.
Coding change: c.6410T>G on transcript NM_032119.4 (MANE Select); coding-DNA position 6410, T replaced by G.
Protein change: p.Ile2137Ser; replaces isoleucine 2137 with serine.
Molecular consequence: missense variant. On other transcripts: non-coding transcript variant (1).
Genome position (GRCh38, 1-based): chr5:90,685,915, T>G. VCF-style: chr5-90685915-T-G. GRCh37 (hg19) VCF-style: chr5-89981732-T-G.
Other names: short protein forms I2137S.
Identifiers: ClinVar variation 1315940 (VCV001315940.2), dbSNP rs747442045, ClinGen allele CA360363723.

ClinVar aggregate classification (germline): Uncertain significance (1 of 4 stars; one submission).

gnomAD v4.1: 1 of 1,611,266 alleles (0.000062%); highest among the groups gnomAD compares: South Asian, 0.0011%; no homozygotes.

Submission:

GeneDx
Classification: Uncertain significance. Last evaluated: 2019-11-11. Review status: criteria provided, single submitter. Criteria: GeneDx Variant Classification Process June 2021. Collection method: clinical testing. Allele origin: germline. Affected: yes.
Comment: Not observed in large population cohorts (Lek et al., 2016); In silico analysis, which includes protein predictors and evolutionary conservation, supports a deleterious effect; Has not been previously published as pathogenic or benign to our knowledge